The following is an entry in ClinVar:

NM_000271.5(NPC1):c.3199G>A (p.Glu1067Lys)

Gene: NPC1 (NPC intracellular cholesterol transporter 1; minus strand). Cytogenetic location: 18q11.2.
Variant type: single nucleotide variant.
Coding change: c.3199G>A on transcript NM_000271.5 (MANE Select); coding-DNA position 3199, G replaced by A.
Protein change: p.Glu1067Lys; replaces glutamic acid 1067 with lysine.
Molecular consequence: missense variant.
Genome position (GRCh38, 1-based): chr18:23,536,719, C>T on the plus strand (G>A on the coding strand, the complement: NPC1 is on the minus strand). VCF-style: chr18-23536719-C-T. GRCh37 (hg19) VCF-style: chr18-21116683-C-T.
Other names: short protein forms E1067K.
Identifiers: ClinVar variation 1728750 (VCV001728750.4), dbSNP rs779353327, ClinGen allele CA8912843.

ClinVar aggregate classification (germline): Uncertain significance. Review status: criteria provided, multiple submitters, no conflicts (2 of 4 stars). 2 submissions from 2 submitters: Uncertain significance (2). Last evaluated 2022-09-07.

Conditions:
Inborn genetic diseases. Identifiers: MedGen C0950123, MeSH D030342.
Niemann-Pick disease, type C1. Also called: NEUROVISCERAL STORAGE DISEASE WITH VERTICAL SUPRANUCLEAR OPHTHALMOPLEGIA; NIEMANN-PICK DISEASE WITH CHOLESTEROL ESTERIFICATION BLOCK; NIEMANN-PICK DISEASE WITHOUT SPHINGOMYELINASE DEFICIENCY; NIEMANN-PICK DISEASE, CHRONIC NEURONOPATHIC FORM; NIEMANN-PICK DISEASE, VARIANT TYPE C1. Identifiers: Orphanet 646, MedGen C3179455, MONDO:0009757, OMIM 257220.

Allele frequency attached by ClinVar (database versions not stated): TOPMed 0.00001; gnomAD 0.00002; ExAC 0.00003; gnomAD exomes 0.00003.
gnomAD v4.1: 53 of 1,614,042 alleles (0.0033%); highest among the groups gnomAD compares: Admixed American, 0.022%; no homozygotes.

Submissions (2):

Labcorp Genetics (formerly Invitae), Labcorp
Classification: Uncertain significance for Niemann-Pick disease, type C1. Last evaluated: 2022-09-07. Review status: criteria provided, single submitter. Criteria: Invitae Variant Classification Sherloc (09022015). Collection method: clinical testing. Allele origin: germline.
Comment: This sequence change replaces glutamic acid, which is acidic and polar, with lysine, which is basic and polar, at codon 1067 of the NPC1 protein (p.Glu1067Lys). This variant is present in population databases (rs779353327, gnomAD 0.03%). This variant has not been reported in the literature in individuals affected with NPC1-related conditions. Advanced modeling of protein sequence and biophysical properties (such as structural, functional, and spatial information, amino acid conservation, physicochemical variation, residue mobility, and thermodynamic stability) performed at Invitae indicates that this missense variant is not expected to disrupt NPC1 protein function. In summary, the available evidence is currently insufficient to determine the role of this variant in disease. Therefore, it has been classified as a Variant of Uncertain Significance.

Ambry Genetics
Classification: Uncertain significance for Inborn genetic diseases. Last evaluated: 2021-09-20. Review status: criteria provided, single submitter. Criteria: Ambry Variant Classification Scheme 2023. Collection method: clinical testing. Allele origin: germline.
Comment: The p.E1067K variant (also known as c.3199G>A), located in coding exon 21 of the NPC1 gene, results from a G to A substitution at nucleotide position 3199. The glutamic acid at codon 1067 is replaced by lysine, an amino acid with similar properties. This amino acid position is conserved. In addition, this alteration is predicted to be tolerated by in silico analysis. Since supporting evidence is limited at this time, the clinical significance of this alteration remains unclear.